The following is an entry in ClinVar:

ClinVar aggregate classification (germline): Benign (0 of 4 stars; one submission).

Conditions:
TRIM23-related disorder. Also called: TRIM23-related condition.

Allele frequency attached by ClinVar (database versions not stated): 1000 Genomes Project 30x 0.00578; 1000 Genomes Project 0.00579; gnomAD 0.00977; TOPMed 0.00991; ExAC 0.01111; ESP Exome Variant Server 0.01246.
gnomAD v4.1: 24,384 of 1,614,062 alleles (1.5%); highest among the groups gnomAD compares: Non-Finnish European, 1.9%; 219 homozygotes.

Submission:

PreventionGenetics, part of Exact Sciences
Classification: Benign for TRIM23-related condition. Last evaluated: 2020-04-29. Review status: no assertion criteria provided. Collection method: clinical testing. Allele origin: germline.
Comment: This variant is classified as benign based on ACMG/AMP sequence variant interpretation guidelines (Richards et al. 2015 PMID: 25741868, with internal and published modifications).

NM_001656.4(TRIM23):c.858A>G (p.Ser286=)

Gene: TRIM23 (tripartite motif containing 23; minus strand). Cytogenetic location: 5q12.3.
Variant type: single nucleotide variant.
Coding change: c.858A>G on transcript NM_001656.4 (MANE Select); coding-DNA position 858, A replaced by G.
Protein change: p.Ser286=; no amino-acid change (serine 286 retained).
Molecular consequence: synonymous variant.
Genome position (GRCh38, 1-based): chr5:65,609,429, T>C on the plus strand (A>G on the coding strand, the complement: TRIM23 is on the minus strand). VCF-style: chr5-65609429-T-C. GRCh37 (hg19) VCF-style: chr5-64905256-T-C.
Other names: c.858A>G, p.Ser286= (NM_033227.3, NM_033228.3).
Identifiers: ClinVar variation 3033272 (VCV003033272.2), dbSNP rs17240173, ClinGen allele CA3284274.